The following is an entry in ClinVar:

NM_001122630.2(CDKN1C):c.525_548del (p.168_169AP[4])

Gene: CDKN1C (cyclin dependent kinase inhibitor 1C; minus strand). Cytogenetic location: 11p15.4.
Variant type: Deletion.
Coding change: c.525_548del on transcript NM_001122630.2 (MANE Select); coding-DNA positions 525 to 548, 24 bases deleted (GGCTCCGGCTCCGGCCCCGGCTCC).
Protein change: p.168_169AP[4].
Molecular consequence: inframe deletion. On other transcripts: intron variant (1).
Genome position (GRCh38, 1-based): chr11:2,884,909-2,884,932, GGAGCCGGGGCCGGAGCCGGAGCC deleted on the plus strand (GGCTCCGGCTCCGGCCCCGGCTCC on the coding strand, the reverse complement: CDKN1C is on the minus strand); deleting any 24 consecutive bases within chr11:2,884,909-2,884,946 gives the same sequence; the c. name uses the placement nearest the transcript's 3' end. VCF-style (leftmost placement, unchanged base first): chr11-2884908-TGGAGCCGGGGCCGGAGCCGGAGCC-T. GRCh37 (hg19) VCF-style: chr11-2906138-TGGAGCCGGGGCCGGAGCCGGAGCC-T.
Other names: c.558_581del, p.179_180AP[4] (LRG_533t1, NM_000076.2, NM_001362474.2); c.558_581del24 (NM_000076.2); c.525_548del, p.168_169AP[4] (NM_001122631.2); c.255+270_255+293del (NM_001362475.2); c.558_581delGGCTCCGGCTCCGGCCCCGGCTCC (NM_000076.2).
Identifiers: ClinVar variation 236956 (VCV000236956.51), dbSNP rs878853630, ClinGen allele CA10582901.

ClinVar aggregate classification (germline): Conflicting classifications of pathogenicity. Review status: criteria provided, conflicting classifications (1 of 4 stars). 5 submissions from 5 submitters: Uncertain significance (1); Likely benign (4). Last evaluated 2026-01-27.

Conditions:
Inborn genetic diseases. Identifiers: MedGen C0950123, MeSH D030342.
Beckwith-Wiedemann syndrome (BWS). Also called: EMG SYNDROME; Exomphalos macroglossia gigantism syndrome. Identifiers: Orphanet 116, MedGen C0004903, MONDO:0007534, OMIM 130650.

Submissions (5):

Labcorp Genetics (formerly Invitae), Labcorp
Classification: Likely benign for Beckwith-Wiedemann syndrome. Last evaluated: 2026-01-27. Review status: criteria provided, single submitter. Criteria: Invitae Variant Classification Sherloc (09022015). Collection method: clinical testing. Allele origin: germline.

CeGaT Center for Human Genetics Tuebingen
Classification: Likely benign. Last evaluated: 2026-01-01. Review status: criteria provided, single submitter. Criteria: CeGaT Center For Human Genetics Tuebingen Variant Classification Criteria Version 2. Collection method: clinical testing. Allele origin: germline. Affected: yes. Observed: 4 variant alleles.
Comment: CDKN1C: BS1

Blueprint Genetics
Classification: Likely benign. Last evaluated: 2024-10-15. Review status: criteria provided, single submitter. Criteria: ACMG Guidelines, 2015. Collection method: clinical testing. Allele origin: germline.

Ambry Genetics
Classification: Likely benign for Inborn genetic diseases. Last evaluated: 2022-05-13. Review status: criteria provided, single submitter. Criteria: Ambry Variant Classification Scheme 2023. Collection method: clinical testing. Allele origin: germline.

Sema4
Classification: Uncertain significance for Beckwith-Wiedemann syndrome. Last evaluated: 2021-06-09. Review status: criteria provided, single submitter. Criteria: Sema4 Curation Guidelines. Collection method: curation. Allele origin: germline.
Comment: The CDKN1C c.558_581del (p.A187_P194del) variant has not been reported in the literature to our knowledge. It was observed in 2/10530 chromosomes in the Non-Finnish European subpopulation in the large and broad cohorts of the Genome Aggregation Database (PMID: 32461654). The variant has been reported in ClinVar (Variation ID:236956). The evidence is insufficient to meet ACMG/AMP criteria for classifying the variant as benign or pathogenic. Thus, the clinical significance of this variant is currently uncertain.